The following is an entry in ClinVar:

ClinVar aggregate classification (germline): Uncertain significance (1 of 4 stars; one submission).

gnomAD v4.1: 3 of 1,608,084 alleles (0.00019%); highest among the groups gnomAD compares: Admixed American, 0.0017%; no homozygotes.

Submission:

Dasa
Classification: Uncertain significance. Last evaluated: 2026-01-20. Review status: criteria provided, single submitter. Criteria: DASA Assertion Criteria. Collection method: clinical testing. Allele origin: germline.
Comment: NM_001244008.2(KIF1A):c.4801G>C (p.Ala1601Pro) is a missense variant that results in the substitution of alanine with proline. This variant is rare in population databases. Computational prediction algorithms are consistent with a benign effect. The currently available literature and clinical evidence are not sufficient to establish a definitive association between this variant and the reported condition. Therefore, this variant is classified as a variant of uncertain significance.

NM_001244008.2(KIF1A):c.4801G>C (p.Ala1601Pro)

Gene: KIF1A (kinesin family member 1A; minus strand). Cytogenetic location: 2q37.3.
Variant type: single nucleotide variant.
Coding change: c.4801G>C on transcript NM_001244008.2 (MANE Select); coding-DNA position 4801, G replaced by C.
Protein change: p.Ala1601Pro; replaces alanine 1601 with proline.
Molecular consequence: missense variant.
Genome position (GRCh38, 1-based): chr2:240,720,981, C>G on the plus strand (G>C on the coding strand, the complement: KIF1A is on the minus strand). VCF-style: chr2-240720981-C-G. GRCh37 (hg19) VCF-style: chr2-241660398-C-G.
Other names: c.4525G>C, p.Ala1509Pro (NM_001320705.2, NM_001379649.1); c.4552G>C, p.Ala1518Pro (NM_001330289.2); c.4600G>C, p.Ala1534Pro (NM_001330290.2, NM_001379648.1); c.4876G>C, p.Ala1626Pro (NM_001379631.1); c.4777G>C, p.Ala1593Pro (NM_001379632.1); c.4774G>C, p.Ala1592Pro (NM_001379633.1, NM_001379645.1); c.4627G>C, p.Ala1543Pro (NM_001379634.1); c.4624G>C, p.Ala1542Pro (NM_001379635.1, NM_001379646.1); and 7 more; short protein forms A1499P, A1500P, A1508P, A1509P, A1517P, A1518P, A1525P, A1534P.
Identifiers: ClinVar variation 4881980 (VCV004881980.2).